The following is an entry in ClinVar:

ClinVar aggregate classification (germline): Pathogenic. Review status: reviewed by expert panel (3 of 4 stars). 2 submissions from 2 submitters: Pathogenic (1). 1 of the submissions does not count toward it. Last evaluated 2023-08-08.

Conditions:
Deficiency of guanidinoacetate methyltransferase (CCDS2). Also called: Guanidinoacetate Methyltransferase (GAMT) Deficiency; CEREBRAL CREATINE DEFICIENCY SYNDROME 2; GAMT DEFICIENCY. Identifiers: Orphanet 382, MedGen C0574080, MONDO:0012999, OMIM 612736.

Submissions (2):

ClinGen Cerebral Creatine Deficiency Syndromes Variant Curation Expert Panel, ClinGen
Classification: Pathogenic for Deficiency of guanidinoacetate methyltransferase. Last evaluated: 2023-08-08. Review status: reviewed by expert panel. Criteria: ClinGen_CCDS_ACMG_Specifications_GAMT_v1.1. Collection method: curation. Allele origin: germline. Inheritance: Autosomal recessive inheritance.
Comment: The NM_000156.6:c.48C>A (p.Cys16Ter) variant in GAMT is a nonsense variant predicted to cause a premature stop codon in biologically-relevant-exon 1/6, leading to nonsense mediated decay in a gene in which loss-of-function is an established disease mechanism (PVS1). This variant is absent in gnomAD v2.1.1 but coverage of this region is <20X and therefore PM2_Supporting is not met. First cousins who are homozygous for the variant (PMID 31559727), and siblings who are compound heterozygous for the variant and another variant in GAMT that has been classified as pathogenic by the ClinGen CCDS VCEP, c.327G>A, phase unknown, have been reported (PMID: 24268530) (PM3). These individuals all had clinical symptoms consistent with GAMT deficiency; in one of them elevated guanidinoacetate values were documented in urine and creatine peak was "sharply" decreased on MRS (PP4_Strong). There is a ClinVar entry for this variant (Variation ID: 2412845). In summary, this variant meets the criteria to be classified as pathogenic for GAMT deficiency. GAMT-specific criteria met, as specified by the ClinGen CCDS Variant Curation Expert Panel (Specifications Version 1.1.0), PVS1, PP4_Strong, PM3. (CLassification approved by the ClinGen CCDS VCEP, August 8, 2023)

GeneDx
Classification: Pathogenic. Last evaluated: 2022-07-26. Review status: criteria provided, single submitter. Criteria: GeneDx Variant Classification Process June 2021. Collection method: clinical testing. Allele origin: germline. Affected: yes. Not counted in ClinVar's aggregate classification.
Comment: Nonsense variant predicted to result in protein truncation or nonsense mediated decay in a gene for which loss of function is a known mechanism of disease; Not observed at significant frequency in large population cohorts (gnomAD); This variant is associated with the following publications: (PMID: 31559727, 32173091, 24268530)

NM_000156.6(GAMT):c.48C>A (p.Cys16Ter)

Genes: GAMT (guanidinoacetate N-methyltransferase; minus strand), LOC130062945 (ATAC-STARR-seq lymphoblastoid silent region 9707; plus strand). Cytogenetic location: 19p13.3.
Variant type: single nucleotide variant.
Coding change: c.48C>A on transcript NM_000156.6 (MANE Select); coding-DNA position 48, C replaced by A.
Protein change: p.Cys16Ter; replaces cysteine 16 with a stop codon.
Molecular consequence: nonsense.
Genome position (GRCh38, 1-based): chr19:1,401,429, G>T on the plus strand (C>A on the coding strand, the complement: GAMT is on the minus strand). VCF-style: chr19-1401429-G-T. GRCh37 (hg19) VCF-style: chr19-1401428-G-T.
Other names: NM_138924.3:c.48C>A; c.48C>A, p.Cys16Ter (NM_138924.3); short protein forms C16*.
Identifiers: ClinVar variation 2412845 (VCV002412845.5), dbSNP rs2512229196, ClinGen allele CA402998364.